The following is an entry in ClinVar:

ClinVar aggregate classification (germline): Uncertain significance (1 of 4 stars; one submission).

Conditions:
Cardiovascular phenotype. Identifiers: MedGen CN230736.

Submission:

Ambry Genetics
Classification: Uncertain significance for Cardiovascular phenotype. Last evaluated: 2023-08-11. Review status: criteria provided, single submitter. Criteria: Ambry Variant Classification Scheme 2023. Collection method: clinical testing. Allele origin: germline.
Comment: The p.G478S variant (also known as c.1432G>A), located in coding exon 8 of the CYP27A1 gene, results from a G to A substitution at nucleotide position 1432. The glycine at codon 478 is replaced by serine, an amino acid with similar properties. This amino acid position is conserved. In addition, this alteration is predicted to be deleterious by in silico analysis. Since supporting evidence is limited at this time, the clinical significance of this alteration remains unclear.

NM_000784.4(CYP27A1):c.1432G>A (p.Gly478Ser)

Gene: CYP27A1 (cytochrome P450 family 27 subfamily A member 1; plus strand). Cytogenetic location: 2q35.
Variant type: single nucleotide variant.
Coding change: c.1432G>A on transcript NM_000784.4 (MANE Select); coding-DNA position 1432, G replaced by A.
Protein change: p.Gly478Ser; replaces glycine 478 with serine.
Molecular consequence: missense variant.
Genome position (GRCh38, 1-based): chr2:218,814,713, G>A. VCF-style: chr2-218814713-G-A. GRCh37 (hg19) VCF-style: chr2-219679436-G-A.
Other names: short protein forms G478S.
Identifiers: ClinVar variation 2586034 (VCV002586034.2), dbSNP rs1943769392, ClinGen allele CA350595225.